The following is an entry in ClinVar:

ClinVar aggregate classification (germline): Pathogenic (1 of 4 stars; one submission).

Conditions:
Juvenile polyposis syndrome (JPS). Identifiers: Orphanet 2929, MedGen C0345893, MONDO:0017380, OMIM 174900.

Submission:

Labcorp Genetics (formerly Invitae), Labcorp
Classification: Pathogenic for Juvenile polyposis syndrome. Last evaluated: 2025-05-27. Review status: criteria provided, single submitter. Criteria: Invitae Variant Classification Sherloc (09022015). Collection method: clinical testing. Allele origin: germline.
Comment: This sequence change creates a premature translational stop signal (p.Tyr458Trpfs*38) in the BMPR1A gene. While this is not anticipated to result in nonsense mediated decay, it is expected to disrupt the last 75 amino acid(s) of the BMPR1A protein. This variant is not present in population databases (gnomAD no frequency). This variant has not been reported in the literature in individuals affected with BMPR1A-related conditions. ClinVar contains an entry for this variant (Variation ID: 3724730). This variant disrupts a region of the BMPR1A protein in which other variant(s) (p.Trp504*) have been determined to be pathogenic (internal data). This suggests that this is a clinically significant region of the protein, and that variants that disrupt it are likely to be disease-causing. For these reasons, this variant has been classified as Pathogenic.

NM_004329.3(BMPR1A):c.1373_1379del (p.Tyr458fs)

Gene: BMPR1A (bone morphogenetic protein receptor type 1A; plus strand). Cytogenetic location: 10q23.2.
Variant type: Deletion.
Coding change: c.1373_1379del on transcript NM_004329.3 (MANE Select); coding-DNA positions 1373 to 1379, 7 bases deleted (ACAACAT; older notation c.1373_1379delACAACAT).
Protein change: p.Tyr458fs; shifts the reading frame from tyrosine 458.
Molecular consequence: frameshift variant. On other transcripts: non-coding transcript variant (3).
Genome position (GRCh38, 1-based): chr10:86,923,406-86,923,412, ACAACAT deleted; deleting any 7 consecutive bases within chr10:86,923,405-86,923,412 gives the same sequence; the c. name uses the placement nearest the transcript's 3' end. VCF-style (leftmost placement, unchanged base first): chr10-86923404-TTACAACA-T. GRCh37 (hg19) VCF-style: chr10-88683161-TTACAACA-T.
Other names: c.1373_1379del, p.Tyr458fs (NM_001406564.1, NM_001406565.1, NM_001406566.1 and 19 more transcripts); c.1367_1373del, p.Tyr456fs (NM_001406583.1); c.1289_1295del, p.Tyr430fs (NM_001406584.1, NM_001406585.1, NM_001406586.1 and 2 more transcripts); c.1031_1037del, p.Tyr344fs (NM_001406589.1); c.1448_1454del, p.Tyr483fs (NM_001406559.1); c.1421_1427del, p.Tyr474fs (NM_001406560.1); short protein forms Y456fs, Y458fs, Y483fs, Y474fs, Y344fs, Y430fs.
Identifiers: ClinVar variation 3724730 (VCV003724730.2).
Genomic context (GRCh38, chr10:86,923,404, plus strand): 5'-TTTTGTGCCCATGTTTTCTCATTCCCTTATAGGGATCGTGGAAGAATACCAATTGCCATA[TTACAACA>T]TGGTACCGAGTGATCCGTCATACGAAGATATGCGTGAGGTTGTGTGTGTCAAACGTTTGC-3'